The following is an entry in ClinVar:

NM_001367624.2(ZNF469):c.2497G>A (p.Asp833Asn)

Gene: ZNF469 (zinc finger protein 469; plus strand). Cytogenetic location: 16q24.2.
Variant type: single nucleotide variant.
Coding change: c.2497G>A on transcript NM_001367624.2 (MANE Select); coding-DNA position 2497, G replaced by A.
Protein change: p.Asp833Asn; replaces aspartic acid 833 with asparagine.
Molecular consequence: missense variant.
Genome position (GRCh38, 1-based): chr16:88,429,967, G>A. VCF-style: chr16-88429967-G-A. GRCh37 (hg19) VCF-style: chr16-88496375-G-A.
Other names: NM_001127464.1:c.2497G>A; short protein forms D833N.
Identifiers: ClinVar variation 1307586 (VCV001307586.2), dbSNP rs2142301814, ClinGen allele CA397072541.

ClinVar aggregate classification (germline): Uncertain significance (1 of 4 stars; one submission).

gnomAD v4.1: 2 of 1,550,326 alleles (0.00013%); highest among the groups gnomAD compares: Non-Finnish European, 0.00017%; no homozygotes.

Submission:

GeneDx
Classification: Uncertain significance. Last evaluated: 2019-08-01. Review status: criteria provided, single submitter. Criteria: GeneDx Variant Classification Process June 2021. Collection method: clinical testing. Allele origin: germline. Affected: yes.
Comment: Not observed in large population cohorts (Lek et al., 2016); In silico analysis, which includes protein predictors and evolutionary conservation, supports that this variant does not alter protein structure/function; Has not been previously published as pathogenic or benign to our knowledge